The following is an entry in ClinVar:

NM_004973.4(JARID2):c.2T>C (p.Met1Thr)

Gene: JARID2 (jumonji and AT-rich interaction domain containing 2; plus strand). Cytogenetic location: 6p22.3.
Variant type: single nucleotide variant.
Coding change: c.2T>C on transcript NM_004973.4 (MANE Select); coding-DNA position 2, T replaced by C.
Protein change: p.Met1Thr; changes the start codon (methionine 1).
Molecular consequence: missense variant, initiator codon variant.
Genome position (GRCh38, 1-based): chr6:15,246,541, T>C. VCF-style: chr6-15246541-T-C. GRCh37 (hg19) VCF-style: chr6-15246772-T-C.
Other names: short protein forms M1T.
Identifiers: ClinVar variation 3903254 (VCV003903254.1).

ClinVar aggregate classification (germline): Likely pathogenic (1 of 4 stars; one submission).

Submission:

GeneDx
Classification: Likely pathogenic. Last evaluated: 2024-12-13. Review status: criteria provided, single submitter. Criteria: GeneDx Variant Classification Process June 2021. Collection method: clinical testing. Allele origin: germline. Affected: yes.
Comment: Initiation codon variant in a gene for which loss of function is a known mechanism of disease; Not observed at significant frequency in large population cohorts (gnomAD); Has not been previously published as pathogenic or benign to our knowledge.